The following is an entry in ClinVar:

ClinVar aggregate classification (germline): Uncertain significance (1 of 4 stars; one submission).

Submission:

Greenwood Genetic Center Diagnostic Laboratories, Greenwood Genetic Center
Classification: Uncertain significance. Last evaluated: 2025-11-21. Review status: criteria provided, single submitter. Criteria: ACMG Guidelines, 2015. Collection method: clinical testing. Allele origin: germline. Affected: yes.
Comment: Gene of Uncertain Significance

NM_001003891.3(MED15):c.1697T>C (p.Met566Thr)

Gene: MED15 (mediator complex subunit 15; plus strand). Cytogenetic location: 22q11.21.
Variant type: single nucleotide variant.
Coding change: c.1697T>C on transcript NM_001003891.3 (MANE Select); coding-DNA position 1697, T replaced by C.
Protein change: p.Met566Thr; replaces methionine 566 with threonine.
Molecular consequence: missense variant.
Genome position (GRCh38, 1-based): chr22:20,583,354, T>C. VCF-style: chr22-20583354-T-C. GRCh37 (hg19) VCF-style: chr22-20937641-T-C.
Other names: c.1526T>C, p.Met509Thr (NM_001293234.2); c.1499T>C, p.Met500Thr (NM_001293235.2, NM_001293237.2); c.1364T>C, p.Met455Thr (NM_001293236.2); c.1577T>C, p.Met526Thr (NM_015889.5); short protein forms M455T, M500T, M509T, M526T, M566T.
Identifiers: ClinVar variation 4845482 (VCV004845482.1).
Genomic context (GRCh38, chr22:20,583,354, plus strand): 5'-GGCTTGTGTCTTAGTGTGTACCCTCTTCTGTCCCAGACAGAAAAAAGGACCTGAGTAAGA[T>C]GAAGAGCCTTCTGGACATTCTGACAGACCCCTCGAAGCGGTGAGCTTTGCCCACAGCCCA-3'
Protein context (NP_001003891.1, residues 556-576): NEDRKKDLSK[Met566Thr]KSLLDILTDP